The following is an entry in ClinVar:

NM_001009944.3(PKD1):c.9957C>T (p.Ser3319=)

Gene: PKD1 (polycystin 1, transient receptor potential channel interacting; minus strand). Cytogenetic location: 16p13.3.
Variant type: single nucleotide variant.
Coding change: c.9957C>T on transcript NM_001009944.3 (MANE Select); coding-DNA position 9957, C replaced by T.
Protein change: p.Ser3319=; no amino-acid change (serine 3319 retained).
Molecular consequence: synonymous variant.
Genome position (GRCh38, 1-based): chr16:2,099,737, G>A on the plus strand (C>T on the coding strand, the complement: PKD1 is on the minus strand). VCF-style: chr16-2099737-G-A. GRCh37 (hg19) VCF-style: chr16-2149738-G-A.
Other names: p.Ser3319=; c.9957C>T, p.Ser3319= (NM_000296.4).
Identifiers: ClinVar variation 257047 (VCV000257047.43), dbSNP rs141101590, ClinGen allele CA7829872.

ClinVar aggregate classification (germline): Benign/Likely benign. Review status: criteria provided, multiple submitters, no conflicts (2 of 4 stars). 12 submissions from 12 submitters: Benign (7); Likely benign (2). 3 of the submissions do not count toward it. Last evaluated 2026-08-01.

Conditions:
Autosomal dominant polycystic kidney disease. Identifiers: Orphanet 730, MedGen C0085413, MONDO:0004691.
Polycystic kidney disease, adult type (PKD1). Also called: POLYCYSTIC KIDNEY DISEASE, ADULT, TYPE I; Polycystic Kidney, Autosomal Dominant; Polycystic Kidney Disease 1, Autosomal Dominant; Polycystic kidney disease 1; Polycystic kidney disease 1, severe; POLYCYSTIC KIDNEY DISEASE 1 WITH OR WITHOUT POLYCYSTIC LIVER DISEASE. Identifiers: MedGen C3149841, MONDO:0008263, OMIM 173900.
Polycystic kidney disease. Also called: Kidney, Polycystic; Polycystic kidney dysplasia. Identifiers: MedGen C0022680, MeSH D007690, MONDO:0020642, HP:0000113.

Allele frequency attached by ClinVar (database versions not stated): ESP Exome Variant Server 0.00117; 1000 Genomes Project 0.00200; 1000 Genomes Project 30x 0.00219; TOPMed 0.00253; ExAC 0.00287; gnomAD exomes 0.00341 and 0.00371; gnomAD 0.00366 and 0.00388.
gnomAD v4.1: 5,769 of 1,557,476 alleles (0.37%); highest among the groups gnomAD compares: Non-Finnish European, 0.38%; 14 homozygotes.

Submissions (12):

CeGaT Center for Human Genetics Tuebingen
Classification: Likely benign. Last evaluated: 2026-08-01. Review status: criteria provided, single submitter. Criteria: CeGaT Center For Human Genetics Tuebingen Variant Classification Criteria Version 2. Collection method: clinical testing. Allele origin: germline. Affected: yes. Observed: 11 variant alleles.
Comment: PKD1: BP4, BP7

Women's Health and Genetics/Laboratory Corporation of America, LabCorp
Classification: Benign. Last evaluated: 2025-11-19. Review status: criteria provided, single submitter. Criteria: LabCorp Variant Classification Summary - May 2015. Collection method: clinical testing. Allele origin: germline.

Mayo Clinic Laboratories, Mayo Clinic
Classification: Benign. Last evaluated: 2024-12-30. Review status: criteria provided, single submitter. Criteria: ACMG Guidelines, 2015. Collection method: clinical testing. Allele origin: germline. Observed: 2 variant alleles.
Comment: BS1, BS2, BP4, BP7

Blueprint Genetics
Classification: Benign. Last evaluated: 2024-11-25. Review status: criteria provided, single submitter. Criteria: ACMG Guidelines, 2015. Collection method: clinical testing. Allele origin: germline.

Fulgent Genetics
Classification: Benign for Polycystic kidney disease, adult type. Last evaluated: 2021-07-26. Review status: criteria provided, single submitter. Criteria: ACMG Guidelines, 2015. Collection method: clinical testing. Allele origin: unknown.

GeneDx
Classification: Likely benign. Last evaluated: 2021-03-25. Review status: criteria provided, single submitter. Criteria: GeneDx Variant Classification Process June 2021. Collection method: clinical testing. Allele origin: germline. Affected: yes.
Comment: This variant is associated with the following publications: (PMID: 22383692, 11967008)

ARUP Laboratories, Molecular Genetics and Genomics, ARUP Laboratories
Classification: Benign for Polycystic kidney disease, adult type. Last evaluated: 2019-05-03. Review status: criteria provided, single submitter. Criteria: ARUP Molecular Germline Variant Investigation Process. Collection method: clinical testing. Allele origin: germline.

Molecular Genetics of Inherited Kidney Disorders Laboratory, Garvan Institute of Medical Research
Classification: Benign for Autosomal dominant polycystic kidney disease. Last evaluated: 2019-01-01. Review status: criteria provided, single submitter. Criteria: ACMG Guidelines, 2015. Collection method: research. Allele origin: germline. Affected: yes.

PreventionGenetics, part of Exact Sciences
Classification: Benign. Review status: criteria provided, single submitter. Criteria: ACMG Guidelines, 2015. Collection method: clinical testing. Allele origin: germline.

Clinical Genetics DNA and cytogenetics Diagnostics Lab, Erasmus MC, Erasmus Medical Center
Classification: Likely benign. Review status: no assertion criteria provided. Collection method: clinical testing. Allele origin: germline. Affected: yes. Study: VKGL Data-share Consensus. Not counted in ClinVar's aggregate classification.

Department of Pathology and Laboratory Medicine, Sinai Health System
Classification: Likely benign for Polycystic Kidney disease. Review status: no assertion criteria provided. Collection method: clinical testing. Allele origin: unknown. Affected: yes. Observed: 3 variant alleles. Study: The Canadian Open Genetics Repository (COGR). Not counted in ClinVar's aggregate classification.
Comment: The PKD1 p.Ser3319Ser variant was identified in an NGS validation study and in a PHPLC validation study in 4 of 550 proband chromosomes (frequency: 0.007) from individuals or families with ADPKD (Rossetti 2012, Rossetti 2002). The variant was also identified in dbSNP (ID: rs141101590) classified as â€šÃ„ÃºNAâ€šÃ„Ã¹. The variant was identified in the PKD Mutation Database classified as "likely neutral". This variant was identified in the 1000 Genomes Project in 10 of 5000 chromosomes (frequency: 0.002); HAPMAP-EUR in 5 of 1006 chromosomes (frequency: 0.005); HAPMAP-AMR in 5 of 694 chromosomes (frequency: 0.007); NHLBI GO Exome Sequencing Project (ESP) in 9 of 6278 (frequency 0.0014) in European American alleles and in 10 of 5000 (frequency 0.0006) African American alleles; and in the Exome Aggregation Consortium (ExAC) database (March 14, 20165) in 41 of 14290 alleles (frequency 0.003) increasing the likelihood this could be a low frequency benign variant. The variant was not identified in Clinvitae, ClinVar, COGR GeneInsight, MutDB, PKD1-LOVD, and PKD1-LOVD 3.0. The p.Ser3319Ser variant is not expected to have clinical significance because it does not result in a change of amino acid and is not located in a known consensus splice site. In addition, in silico or computational prediction software programs (SpliceSiteFinder, MaxEntScan, NNSPLICE, GeneSplicer, HumanSpliceFinder) do not predict a difference in splicing. In summary, based on the above information, this variant meets our laboratory criteria to be classified as likely benign.

Genome Diagnostics Laboratory, University Medical Center Utrecht
Classification: Likely benign. Review status: no assertion criteria provided. Collection method: clinical testing. Allele origin: germline. Affected: yes. Study: VKGL Data-share Consensus. Not counted in ClinVar's aggregate classification.